The following is an entry in ClinVar:

ClinVar aggregate classification (germline): Uncertain significance (1 of 4 stars; one submission).

Conditions:
Cardiomyopathy (CMYO). Also called: Cardiomyopathies. Identifiers: Orphanet 167848, MedGen C0878544, MONDO:0004994, HP:0001638. Inheritance: Various modes of inheritance.

Submission:

Color Diagnostics, LLC DBA Color Health
Classification: Uncertain significance for Cardiomyopathy. Last evaluated: 2025-06-03. Review status: criteria provided, single submitter. Criteria: ACMG Guidelines, 2015. Collection method: clinical testing. Allele origin: germline.
Comment: This missense variant replaces isoleucine with valine at codon 4308 of the RYR2 protein. Computational prediction suggests that this variant may not impact protein structure and function. To our knowledge, functional studies have not been reported for this variant. This variant has not been reported in individuals affected with RYR2-related disorders in the literature. This variant has not been identified in the general population by the Genome Aggregation Database (gnomAD). The available evidence is insufficient to determine the role of this variant in disease conclusively. Therefore, this variant is classified as a Variant of Uncertain Significance.

NM_001035.3(RYR2):c.12922A>G (p.Ile4308Val)

Genes: RYR2 (ryanodine receptor 2; plus strand), LOC126806068 (BRD4-independent group 4 enhancer GRCh37_chr1:237947411-237948610; plus strand). Cytogenetic location: 1q43.
Variant type: single nucleotide variant.
Coding change: c.12922A>G on transcript NM_001035.3 (MANE Select); coding-DNA position 12922, A replaced by G.
Protein change: p.Ile4308Val; replaces isoleucine 4308 with valine.
Molecular consequence: missense variant.
Genome position (GRCh38, 1-based): chr1:237,784,634, A>G. VCF-style: chr1-237784634-A-G. GRCh37 (hg19) VCF-style: chr1-237947934-A-G.
Other names: short protein forms I4308V.
Identifiers: ClinVar variation 4756775 (VCV004756775.1).
Genomic context (GRCh38, chr1:237,784,634, plus strand): 5'-TGGAGTATTTTCATGACCCTCTTGCACTTCGTGGCCAGCGTTTTCAGAGGCTTTTTCCGC[A>G]TCATTTGCAGCCTGCTGCTTGGGGGAAGCCTCGTCGAAGGTGCTAAAAAGATCAAAGTTG-3'
Protein context (NP_001026.2, residues 4298-4318): VASVFRGFFR[Ile4308Val]ICSLLLGGSL